The following is an entry in ClinVar:

ClinVar aggregate classification (germline): Pathogenic. Review status: criteria provided, multiple submitters, no conflicts (2 of 4 stars). 6 submissions from 6 submitters: Pathogenic (5). 1 of the submissions does not count toward it. Last evaluated 2026-03-15.

Conditions:
INVS-related disorders.
INVS-related disorder. Also called: INVS-related condition.
Nephronophthisis. Also called: Juvenile Nephronophthisis. Identifiers: Orphanet 655, MedGen C0687120, MONDO:0019005, HP:0000090.
Infantile nephronophthisis (NPHP2). Also called: Nephronophthisis 2, infantile; Nephronophthisis 2. Identifiers: Orphanet 655, Orphanet 93591, MedGen C1865872, MONDO:0011190, OMIM 602088.

Allele frequency attached by ClinVar (database versions not stated): gnomAD exomes 0.00001; TOPMed 0.00003.

Submissions (6):

PreventionGenetics, part of Exact Sciences
Classification: Pathogenic for INVS-related condition. Last evaluated: 2026-03-15. Review status: criteria provided, single submitter. Criteria: ACMG Guidelines, 2015. Collection method: clinical testing. Allele origin: germline.
Comment: The INVS c.1807C>T variant is predicted to result in premature protein termination (p.Arg603*). This variant was reported in the homozygous state in individuals with nephronophthisis (Otto et al. 2003. PubMed ID: 12872123; Table S1, Chaki et al. 2011. PubMed ID: 21866095; Petzold et al. 2023. PubMed ID: 37230223). This variant is reported in 0.0058% of alleles in individuals of Latino descent in gnomAD. Nonsense variants in INVS are expected to be pathogenic. This variant is interpreted as pathogenic.

Fulgent Genetics
Classification: Pathogenic for Infantile nephronophthisis. Last evaluated: 2024-04-23. Review status: criteria provided, single submitter. Criteria: ACMG Guidelines, 2015. Collection method: clinical testing. Allele origin: germline.

Genomic Medicine Center of Excellence, King Faisal Specialist Hospital and Research Centre
Classification: Pathogenic for Infantile nephronophthisis. Last evaluated: 2024-03-17. Review status: criteria provided, single submitter. Criteria: ACMG Guidelines, 2015. Collection method: research. Allele origin: germline.

Labcorp Genetics (formerly Invitae), Labcorp
Classification: Pathogenic for Nephronophthisis. Last evaluated: 2023-11-19. Review status: criteria provided, single submitter. Criteria: Invitae Variant Classification Sherloc (09022015). Collection method: clinical testing. Allele origin: germline.
Comment: This sequence change creates a premature translational stop signal (p.Arg603*) in the INVS gene. It is expected to result in an absent or disrupted protein product. Loss-of-function variants in INVS are known to be pathogenic (PMID: 12872123). This variant is present in population databases (rs121964994, gnomAD 0.006%). This premature translational stop signal has been observed in individual(s) with nephronophthisis (PMID: 12872123, 21866095). ClinVar contains an entry for this variant (Variation ID: 11959). For these reasons, this variant has been classified as Pathogenic.

Blueprint Genetics
Classification: Pathogenic for INVS-related disorders. Last evaluated: 2020-03-02. Review status: criteria provided, single submitter. Criteria: ACMG Guidelines, 2015. Collection method: clinical testing. Allele origin: germline. Affected: yes. Observed: 3 variant alleles.

OMIM
Classification: Pathogenic for NEPHRONOPHTHISIS 2. Last evaluated: 2003-08-01. Review status: no assertion criteria provided. Collection method: literature only. Allele origin: germline. Not counted in ClinVar's aggregate classification.

Literature cited by the submitters: PubMed 12872123 (cited by Labcorp Genetics (formerly Invitae), Labcorp and OMIM); PubMed 21866095 (cited by Labcorp Genetics (formerly Invitae), Labcorp).

NM_014425.5(INVS):c.1807C>T (p.Arg603Ter)

Gene: INVS (inversin; plus strand). Cytogenetic location: 9q31.1.
Variant type: single nucleotide variant.
Coding change: c.1807C>T on transcript NM_014425.5 (MANE Select); coding-DNA position 1807, C replaced by T.
Protein change: p.Arg603Ter; replaces arginine 603 with a stop codon.
Molecular consequence: nonsense. On other transcripts: non-coding transcript variant (1).
Genome position (GRCh38, 1-based): chr9:100,284,342, C>T. VCF-style: chr9-100284342-C-T. GRCh37 (hg19) VCF-style: chr9-103046624-C-T.
Other names: c.1519C>T, p.Arg507Ter (NM_001318381.2); c.829C>T, p.Arg277Ter (NM_001318382.2); c.1807C>T (NM_014425.4); short protein forms R603*, R507*, R277*.
Identifiers: ClinVar variation 11959 (VCV000011959.15), dbSNP rs121964994, ClinGen allele CA121808.
Genomic context (GRCh38, chr9:100,284,342, plus strand): 5'-TTAAATTTTTTCATCTTCTTCTTTGGCTTTGCTTCCAGAAAGCGAGAGGAAGAAAACAAA[C>T]GAAAAGAGGCAGAACAGCAAAAAGGAAGGCGGAGCCCAGATTCCTGCAGACCCCAGGCCC-3'